The following is an entry in ClinVar:

ClinVar aggregate classification (germline): Pathogenic (1 of 4 stars; one submission).

Allele frequency attached by ClinVar (database versions not stated): gnomAD exomes below 0.00001; ExAC 0.00001.
gnomAD v4.1: 2 of 1,613,956 alleles (0.00012%); highest among the groups gnomAD compares: Non-Finnish European, 0.00017%; no homozygotes.

Submission:

Labcorp Genetics (formerly Invitae), Labcorp
Classification: Pathogenic. Last evaluated: 2022-05-30. Review status: criteria provided, single submitter. Criteria: Invitae Variant Classification Sherloc (09022015). Collection method: clinical testing. Allele origin: germline.
Comment: This sequence change creates a premature translational stop signal (p.Gln3145*) in the CDH23 gene. It is expected to result in an absent or disrupted protein product. Loss-of-function variants in CDH23 are known to be pathogenic (PMID: 11138009, 21940737). This variant is present in population databases (rs771555570, gnomAD 0.0009%). This variant has not been reported in the literature in individuals affected with CDH23-related conditions. For these reasons, this variant has been classified as Pathogenic.

Literature cited by the submitters: PubMed 11138009; PubMed 21940737.

NM_022124.6(CDH23):c.9433C>T (p.Gln3145Ter)

Gene: CDH23 (cadherin related 23; plus strand). Cytogenetic location: 10q22.1.
Variant type: single nucleotide variant.
Coding change: c.9433C>T on transcript NM_022124.6 (MANE Select); coding-DNA position 9433, C replaced by T.
Protein change: p.Gln3145Ter; replaces glutamine 3145 with a stop codon.
Molecular consequence: nonsense.
Genome position (GRCh38, 1-based): chr10:71,812,532, C>T. VCF-style: chr10-71812532-C-T. GRCh37 (hg19) VCF-style: chr10-73572289-C-T.
Other names: c.2713C>T, p.Gln905Ter (NM_001171933.1, NM_001171934.1); c.124C>T, p.Gln42Ter (NM_001171935.1, NM_001171936.1); short protein forms Q3145*, Q42*, Q905*.
Identifiers: ClinVar variation 2000925 (VCV002000925.4), dbSNP rs771555570, ClinGen allele CA5547077.
Genomic context (GRCh38, chr10:71,812,532, plus strand): 5'-AACTGCAGAGCCAACCCTGTGTGGCTGGATCCCTTCTGTCGGAACCTGGAGCTGGCCGCC[C>T]AGGCGGAGCATGAGGATGACCTACCGGAGAACCTGAGTGAGATCGCCGACCTGTGGAACA-3'